The following is an entry in ClinVar:

ClinVar aggregate classification (germline): Uncertain significance (1 of 4 stars; one submission).

Conditions:
Hereditary breast ovarian cancer syndrome. Also called: Hereditary breast and/or ovarian cancer syndrome; Hereditary breast and ovarian cancer; Hereditary breast and ovarian cancer syndrome; Breast and ovarian cancer; Hereditary breast and ovarian cancer syndrome (HBOC); BRCA1- and BRCA2-Associated Hereditary Breast and Ovarian Cancer. Identifiers: Orphanet 145, MedGen C0677776, MeSH D061325, MONDO:0003582. Disease mechanism: loss of function.

Submission:

Labcorp Genetics (formerly Invitae), Labcorp
Classification: Uncertain significance for Hereditary breast ovarian cancer syndrome. Last evaluated: 2022-12-31. Review status: criteria provided, single submitter. Criteria: Invitae Variant Classification Sherloc (09022015). Collection method: clinical testing. Allele origin: germline.
Comment: Advanced modeling of protein sequence and biophysical properties (such as structural, functional, and spatial information, amino acid conservation, physicochemical variation, residue mobility, and thermodynamic stability) performed at Invitae indicates that this missense variant is not expected to disrupt BRCA2 protein function. This variant has not been reported in the literature in individuals affected with BRCA2-related conditions. This variant is not present in population databases (gnomAD no frequency). This sequence change replaces alanine, which is neutral and non-polar, with threonine, which is neutral and polar, at codon 735 of the BRCA2 protein (p.Ala735Thr). In summary, the available evidence is currently insufficient to determine the role of this variant in disease. Therefore, it has been classified as a Variant of Uncertain Significance.

NM_000059.4(BRCA2):c.2203G>A (p.Ala735Thr)

Gene: BRCA2 (BRCA2 DNA repair associated; plus strand). Cytogenetic location: 13q13.1.
Variant type: single nucleotide variant.
Coding change: c.2203G>A on transcript NM_000059.4 (MANE Select); coding-DNA position 2203, G replaced by A.
Protein change: p.Ala735Thr; replaces alanine 735 with threonine.
Molecular consequence: missense variant. On other transcripts: non-coding transcript variant (1), intron variant (2).
Genome position (GRCh38, 1-based): chr13:32,336,558, G>A. VCF-style: chr13-32336558-G-A. GRCh37 (hg19) VCF-style: chr13-32910695-G-A.
Other names: c.2203G>A, p.Ala735Thr (NM_001406719.1, NM_001406720.1); c.1909+3171G>A (NM_001406721.1); c.424+5528G>A (NM_001406722.1); short protein forms A735T.
Identifiers: ClinVar variation 2825381 (VCV002825381.3), dbSNP rs2137484188, ClinGen allele CA387770527.